The following is an entry in ClinVar:

ClinVar aggregate classification (germline): Uncertain significance. Review status: criteria provided, multiple submitters, no conflicts (2 of 4 stars). 4 submissions from 4 submitters: Uncertain significance (4). Last evaluated 2026-10-01.

Conditions:
Neuroblastoma, susceptibility to, 1. Identifiers: MedGen C2749485, MONDO:0009741, OMIM 256700.

Allele frequency attached by ClinVar (database versions not stated): gnomAD 0.00001; gnomAD exomes 0.00001; TOPMed 0.00002.
gnomAD v4.1: 16 of 1,614,106 alleles (0.00099%); highest among the groups gnomAD compares: Middle Eastern, 0.15%; no homozygotes.

Submissions (4):

St. Jude Molecular Pathology, St. Jude Children's Research Hospital
Classification: Uncertain significance for Neuroblastoma, susceptibility to, 1. Last evaluated: 2026-10-01. Review status: criteria provided, single submitter. Criteria: St. Jude Assertion Criteria 2020. Collection method: clinical testing. Allele origin: germline.
Comment: The KIF1B c.4925A>G p.(Asn1642Ser) missense change has a maximum subpopulation frequency of 0 .003% in gnomAD v2.1.1. The in silico tool REVEL predicts a benign effect on protein function, but to our knowledge this prediction has not been confirmed by functional studies. To our knowledge, this variant has not b een reported in the literature in individuals with pheochromocytoma or neuroblastoma. In summary, the evidence currently available is insufficient to determine the clinical significance of this variant. It has therefore been classified as of uncertain si gnificance.

Ambry Genetics
Classification: Uncertain significance. Last evaluated: 2024-03-20. Review status: criteria provided, single submitter. Criteria: Ambry Variant Classification Scheme 2023. Collection method: clinical testing. Allele origin: germline.
Comment: The p.N1642S variant (also known as c.4925A>G), located in coding exon 43 of the KIF1B gene, results from an A to G substitution at nucleotide position 4925. The asparagine at codon 1642 is replaced by serine, an amino acid with highly similar properties. This amino acid position is highly conserved in available vertebrate species. In addition, this alteration is predicted to be tolerated by in silico analysis. Since supporting evidence is limited at this time, the clinical significance of this alteration remains unclear.

Mayo Clinic Laboratories, Mayo Clinic
Classification: Uncertain significance. Last evaluated: 2020-02-12. Review status: criteria provided, single submitter. Criteria: ACMG Guidelines, 2015. Collection method: clinical testing. Allele origin: germline. Observed: 1 variant allele.

Eurofins Ntd Llc (ga)
Classification: Uncertain significance. Last evaluated: 2018-04-05. Review status: criteria provided, single submitter. Criteria: EGL ClinVar v180209 classification definitions. Collection method: clinical testing. Allele origin: germline. Observed: 1 variant allele, 1 heterozygote.

NM_001365951.3(KIF1B):c.5063A>G (p.Asn1688Ser)

Gene: KIF1B (kinesin family member 1B; plus strand). Cytogenetic location: 1p36.22.
Variant type: single nucleotide variant.
Coding change: c.5063A>G on transcript NM_001365951.3 (MANE Select); coding-DNA position 5063, A replaced by G.
Protein change: p.Asn1688Ser; replaces asparagine 1688 with serine.
Molecular consequence: missense variant.
Genome position (GRCh38, 1-based): chr1:10,374,432, A>G. VCF-style: chr1-10374432-A-G. GRCh37 (hg19) VCF-style: chr1-10434490-A-G.
Other names: c.5063A>G, p.Asn1688Ser (NM_001365952.1); c.4925A>G, p.Asn1642Ser (NM_015074.3); short protein forms N1642S, N1688S.
Identifiers: ClinVar variation 596809 (VCV000596809.12), dbSNP rs866721796, ClinGen allele CA17855972.